The following is an entry in ClinVar:

ClinVar aggregate classification (germline): Uncertain significance (1 of 4 stars; one submission).

Conditions:
Hereditary cancer-predisposing syndrome. Also called: Hereditary Cancer Syndrome; Hereditary neoplastic syndrome; Neoplastic Syndromes, Hereditary; Tumor predisposition. Identifiers: Orphanet 140162, MedGen C0027672, MeSH D009386, MONDO:0015356.

Submission:

Ambry Genetics
Classification: Uncertain significance for Hereditary cancer-predisposing syndrome. Last evaluated: 2025-04-09. Review status: criteria provided, single submitter. Criteria: Ambry Variant Classification Scheme 2023. Collection method: clinical testing. Allele origin: germline.
Comment: The p.P121R variant (also known as c.362C>G), located in coding exon 3 of the MSH3 gene, results from a C to G substitution at nucleotide position 362. The proline at codon 121 is replaced by arginine, an amino acid with dissimilar properties. This amino acid position is conserved. In addition, the in silico prediction for this alteration is inconclusive. Based on the available evidence, the clinical significance of this variant remains unclear.

NM_002439.5(MSH3):c.362C>G (p.Pro121Arg)

Gene: MSH3 (mutS homolog 3; plus strand). Cytogenetic location: 5q14.1.
Variant type: single nucleotide variant.
Coding change: c.362C>G on transcript NM_002439.5 (MANE Select); coding-DNA position 362, C replaced by G.
Protein change: p.Pro121Arg; replaces proline 121 with arginine.
Molecular consequence: missense variant.
Genome position (GRCh38, 1-based): chr5:80,665,146, C>G. VCF-style: chr5-80665146-C-G. GRCh37 (hg19) VCF-style: chr5-79960965-C-G.
Other names: short protein forms P121R.
Identifiers: ClinVar variation 3913624 (VCV003913624.1).